The following is an entry in ClinVar:

ClinVar aggregate classification (germline): Uncertain significance. Review status: criteria provided, multiple submitters, no conflicts (2 of 4 stars). 3 submissions from 3 submitters: Uncertain significance (3). Last evaluated 2025-08-15.

Conditions:
Fanconi anemia (FA). Also called: Fanconi's anemia. Identifiers: Orphanet 84, MedGen C0015625, MeSH D005199, MONDO:0019391.
Fanconi anemia complementation group A (FANCA). Also called: Fanconi anemia, group A; FANCA-Related Fanconi Anemia. Identifiers: Orphanet 84, MedGen C3469521, MONDO:0009215, OMIM 227650.

Submissions (3):

Quest Diagnostics Nichols Institute San Juan Capistrano
Classification: Uncertain significance. Last evaluated: 2025-08-15. Review status: criteria provided, single submitter. Criteria: Quest Diagnostics criteria. Collection method: clinical testing. Allele origin: unknown.
Comment: The FANCA c.1153C>G (p.His385Asp) variant has not been reported in individuals with FANCA-related conditions in the published literature. This variant has not been reported in large, multi-ethnic general populations (Genome Aggregation Database). Analysis of this variant using bioinformatics tools for the prediction of the effect of amino acid changes on protein structure and function yielded predictions that this variant is benign. Based on the available information, we are unable to determine the clinical significance of this variant.

Fulgent Genetics
Classification: Uncertain significance for Fanconi anemia complementation group A. Last evaluated: 2024-01-01. Review status: criteria provided, single submitter. Criteria: ACMG Guidelines, 2015. Collection method: clinical testing. Allele origin: germline.

Labcorp Genetics (formerly Invitae), Labcorp
Classification: Uncertain significance for Fanconi anemia. Last evaluated: 2022-06-14. Review status: criteria provided, single submitter. Criteria: Invitae Variant Classification Sherloc (09022015). Collection method: clinical testing. Allele origin: germline.
Comment: In summary, the available evidence is currently insufficient to determine the role of this variant in disease. Therefore, it has been classified as a Variant of Uncertain Significance. Advanced modeling of protein sequence and biophysical properties (such as structural, functional, and spatial information, amino acid conservation, physicochemical variation, residue mobility, and thermodynamic stability) performed at Invitae indicates that this missense variant is not expected to disrupt FANCA protein function. This variant has not been reported in the literature in individuals affected with FANCA-related conditions. This variant is not present in population databases (gnomAD no frequency). This sequence change replaces histidine, which is basic and polar, with aspartic acid, which is acidic and polar, at codon 385 of the FANCA protein (p.His385Asp).

NM_000135.4(FANCA):c.1153C>G (p.His385Asp)

Gene: FANCA (FA complementation group A; minus strand). Cytogenetic location: 16q24.3.
Variant type: single nucleotide variant.
Coding change: c.1153C>G on transcript NM_000135.4 (MANE Select); coding-DNA position 1153, C replaced by G.
Protein change: p.His385Asp; replaces histidine 385 with aspartic acid.
Molecular consequence: missense variant.
Genome position (GRCh38, 1-based): chr16:89,791,999, G>C on the plus strand (C>G on the coding strand, the complement: FANCA is on the minus strand). VCF-style: chr16-89791999-G-C. GRCh37 (hg19) VCF-style: chr16-89858407-G-C.
Other names: c.1153C>G, p.His385Asp (NM_001286167.3); c.1153C>G (NM_000135.3); short protein forms H385D.
Identifiers: ClinVar variation 2428108 (VCV002428108.8), dbSNP rs757760966, ClinGen allele CA397466193.